The following is an entry in ClinVar:

ClinVar aggregate classification (germline): Uncertain significance (1 of 4 stars; one submission).

Conditions:
Transcobalamin II deficiency (TCN2D). Also called: Transcolabamin II deficiency; TC II DEFICIENCY; TCN2 DEFICIENCY. Identifiers: Orphanet 859, MedGen C0342701, MONDO:0010149, OMIM 275350.

Allele frequency attached by ClinVar (database versions not stated): gnomAD exomes below 0.00001.
gnomAD v4.1: 1 of 1,614,144 alleles (0.000062%); highest among the groups gnomAD compares: Non-Finnish European, 0.000085%; no homozygotes.

Submission:

Labcorp Genetics (formerly Invitae), Labcorp
Classification: Uncertain significance for Transcobalamin II deficiency. Last evaluated: 2019-09-08. Review status: criteria provided, single submitter. Criteria: Invitae Variant Classification Sherloc (09022015). Collection method: clinical testing. Allele origin: germline.
Comment: Algorithms developed to predict the effect of missense changes on protein structure and function (SIFT, PolyPhen-2, Align-GVGD) all suggest that this variant is likely to be tolerated, but these predictions have not been confirmed by published functional studies and their clinical significance is uncertain. This sequence change replaces isoleucine with valine at codon 219 of the TCN2 protein (p.Ile219Val). The isoleucine residue is highly conserved and there is a small physicochemical difference between isoleucine and valine. This variant is not present in population databases (ExAC no frequency). This variant has not been reported in the literature in individuals with TCN2-related conditions. In summary, the available evidence is currently insufficient to determine the role of this variant in disease. Therefore, it has been classified as a Variant of Uncertain Significance.

NM_000355.4(TCN2):c.655A>G (p.Ile219Val)

Gene: TCN2 (transcobalamin 2; plus strand). Cytogenetic location: 22q12.2.
Variant type: single nucleotide variant.
Coding change: c.655A>G on transcript NM_000355.4 (MANE Select); coding-DNA position 655, A replaced by G.
Protein change: p.Ile219Val; replaces isoleucine 219 with valine.
Molecular consequence: missense variant.
Genome position (GRCh38, 1-based): chr22:30,615,375, A>G. VCF-style: chr22-30615375-A-G. GRCh37 (hg19) VCF-style: chr22-31011362-A-G.
Other names: c.574A>G, p.Ile192Val (NM_001184726.2); short protein forms I192V, I219V.
Identifiers: ClinVar variation 936608 (VCV000936608.9), dbSNP rs2087597138, ClinGen allele CA411212439.